The following is an entry in ClinVar:

NM_000942.5(PPIB):c.19C>T (p.Arg7Cys)

Gene: PPIB (peptidylprolyl isomerase B; minus strand). Cytogenetic location: 15q22.31.
Variant type: single nucleotide variant.
Coding change: c.19C>T on transcript NM_000942.5 (MANE Select); coding-DNA position 19, C replaced by T.
Protein change: p.Arg7Cys; replaces arginine 7 with cysteine.
Molecular consequence: missense variant.
Genome position (GRCh38, 1-based): chr15:64,162,968, G>A on the plus strand (C>T on the coding strand, the complement: PPIB is on the minus strand). VCF-style: chr15-64162968-G-A. GRCh37 (hg19) VCF-style: chr15-64455167-G-A.
Other names: short protein forms R7C.
Identifiers: ClinVar variation 4705896 (VCV004705896.1).
Genomic context (GRCh38, chr15:64,162,968, plus strand): 5'-GCAGCAGGAAGAAGACGGACCCCGCGATGAGGGCGGCGGCAAGGAGCACCTTCATGTTGC[G>A]TTCGGAGAGGCGCAGCATCCACAGGCGGAGGCGAAAGCAGCCCGGACAGCTGAGGCCGGA-3'
Protein context (NP_000933.1, residues 1-17): MLRLSE[Arg7Cys]NMKVLLAAAL

ClinVar aggregate classification (germline): Uncertain significance (1 of 4 stars; one submission).

Submission:

Labcorp Genetics (formerly Invitae), Labcorp
Classification: Uncertain significance. Last evaluated: 2025-12-20. Review status: criteria provided, single submitter. Criteria: Invitae Variant Classification Sherloc (09022015). Collection method: clinical testing. Allele origin: germline.
Comment: This sequence change replaces arginine, which is basic and polar, with cysteine, which is neutral and slightly polar, at codon 7 of the PPIB protein (p.Arg7Cys). This variant is present in population databases (rs760906683, gnomAD 0.03%). This variant has not been reported in the literature in individuals affected with PPIB-related conditions. An algorithm developed to predict the effect of missense changes on protein structure and function (PolyPhen-2) suggests that this variant is likely to be disruptive. In summary, the available evidence is currently insufficient to determine the role of this variant in disease. Therefore, it has been classified as a Variant of Uncertain Significance.